The following is an entry in ClinVar:

NM_001953.5(TYMP):c.1304C>T (p.Thr435Ile)

Genes: SCO2 (synthesis of cytochrome C oxidase 2; minus strand), TYMP (thymidine phosphorylase; minus strand), LOC130067862 (ATAC-STARR-seq lymphoblastoid silent region 13986; plus strand). Cytogenetic location: 22q13.33.
Variant type: single nucleotide variant.
Coding change: c.1304C>T on transcript NM_001953.5 (MANE Select); coding-DNA position 1304, C replaced by T.
Protein change: p.Thr435Ile; replaces threonine 435 with isoleucine.
Molecular consequence: missense variant. On other transcripts: intron variant (2).
Genome position (GRCh38, 1-based): chr22:50,525,915, G>A on the plus strand (C>T on the coding strand, the complement: TYMP is on the minus strand). VCF-style: chr22-50525915-G-A. GRCh37 (hg19) VCF-style: chr22-50964344-G-A.
Other names: c.1304C>T, p.Thr435Ile (NM_001113755.3, NM_001113756.3, NM_001257988.1); c.1319C>T, p.Thr440Ile (NM_001257989.1); c.-14+331C>T (NM_001169109.2); c.-14+86C>T (NM_001169110.1); short protein forms T440I, T435I.
Identifiers: ClinVar variation 2166293 (VCV002166293.1), dbSNP rs770439368, ClinGen allele CA10321430.

ClinVar aggregate classification (germline): Uncertain significance (1 of 4 stars; one submission).

Allele frequency attached by ClinVar (database versions not stated): ExAC 0.00007.
gnomAD v4.1: 31 of 1,529,250 alleles (0.002%); highest among the groups gnomAD compares: Middle Eastern, 0.021%; no homozygotes.

Submission:

Labcorp Genetics (formerly Invitae), Labcorp
Classification: Uncertain significance. Last evaluated: 2022-01-04. Review status: criteria provided, single submitter. Criteria: Invitae Variant Classification Sherloc (09022015). Collection method: clinical testing. Allele origin: germline.
Comment: This sequence change replaces threonine, which is neutral and polar, with isoleucine, which is neutral and non-polar, at codon 435 of the TYMP protein (p.Thr435Ile). This variant is present in population databases (rs770439368, gnomAD 0.005%). This variant has not been reported in the literature in individuals affected with TYMP-related conditions. Advanced modeling of protein sequence and biophysical properties (such as structural, functional, and spatial information, amino acid conservation, physicochemical variation, residue mobility, and thermodynamic stability) performed at Invitae indicates that this missense variant is not expected to disrupt TYMP protein function. In summary, the available evidence is currently insufficient to determine the role of this variant in disease. Therefore, it has been classified as a Variant of Uncertain Significance.